The following is an entry in ClinVar:

NM_020433.5(JPH2):c.723C>G (p.Ser241Arg)

Gene: JPH2 (junctophilin 2; minus strand). Cytogenetic location: 20q13.12.
Variant type: single nucleotide variant.
Coding change: c.723C>G on transcript NM_020433.5 (MANE Select); coding-DNA position 723, C replaced by G.
Protein change: p.Ser241Arg; replaces serine 241 with arginine.
Molecular consequence: missense variant.
Genome position (GRCh38, 1-based): chr20:44,160,064, G>C on the plus strand (C>G on the coding strand, the complement: JPH2 is on the minus strand). VCF-style: chr20-44160064-G-C. GRCh37 (hg19) VCF-style: chr20-42788704-G-C.
Other names: short protein forms S241R.
Identifiers: ClinVar variation 155801 (VCV000155801.13), dbSNP rs587782952, ClinGen allele CA345819.

ClinVar aggregate classification (germline): Uncertain significance. Review status: criteria provided, single submitter (1 of 4 stars). 3 submissions from 3 submitters: Uncertain significance (1). 2 of the submissions do not count toward it. Last evaluated 2016-04-01.

Conditions:
Hypertrophic cardiomyopathy. Also called: HYPERTROPHIC MYOCARDIOPATHY. Identifiers: Orphanet 217569, MedGen C0007194, MeSH D002312, MONDO:0005045, HP:0001639.

Allele frequency attached by ClinVar (database versions not stated): gnomAD 0.00001; gnomAD exomes 0.00001; TOPMed below 0.00001.
gnomAD v4.1: 12 of 1,540,346 alleles (0.00078%); highest among the groups gnomAD compares: Non-Finnish European, 0.00087%; no homozygotes.

Submissions (3):

Labcorp Genetics (formerly Invitae), Labcorp
Classification: Uncertain significance for Hypertrophic cardiomyopathy. Last evaluated: 2016-04-01. Review status: criteria provided, single submitter. Criteria: Invitae Variant Classification Sherloc (09022015). Collection method: clinical testing. Allele origin: germline.
Comment: In summary, this variant is a novel missense change that is not predicted to affect protein function. There is no indication that it causes disease, but the available evidence is currently insufficient to prove that conclusively. Therefore, it has been classified as a Variant of Uncertain Significance. Algorithms developed to predict the effect of missense changes on protein structure and function do not agree on the potential impact of this missense change (SIFT: "Tolerated"; PolyPhen-2: "Probably Damaging"; Align-GVGD: "Class C0"). While this variant is not present in population databases (rs587782952), the frequency information is unreliable, as metrics indicate poor data quality at this position in the ExAC database. This variant has not been reported in the literature in individuals with a JPH2-related disease. ClinVar contains an entry for this variant (Variation ID: 155801). This sequence change replaces serine with arginine at codon 241 of the JPH2 protein (p.Ser241Arg). The serine residue is moderately conserved and there is a moderate physicochemical difference between serine and arginine.

Clinical Genetics DNA and cytogenetics Diagnostics Lab, Erasmus MC, Erasmus Medical Center
Classification: Uncertain significance. Review status: no assertion criteria provided. Collection method: clinical testing. Allele origin: germline. Affected: yes. Study: VKGL Data-share Consensus. Not counted in ClinVar's aggregate classification.

Diagnostic Laboratory, Department of Genetics, University Medical Center Groningen
Classification: Uncertain significance. Review status: no assertion criteria provided. Collection method: clinical testing. Allele origin: germline. Affected: yes. Study: VKGL Data-share Consensus. Not counted in ClinVar's aggregate classification.